The following is an entry in ClinVar:

ClinVar aggregate classification (germline): Uncertain significance (1 of 4 stars; one submission).

Conditions:
Dilated Cardiomyopathy, Recessive.

Submission:

Labcorp Genetics (formerly Invitae), Labcorp
Classification: Uncertain significance for Dilated Cardiomyopathy, Recessive. Last evaluated: 2019-03-14. Review status: criteria provided, single submitter. Criteria: Invitae Variant Classification Sherloc (09022015). Collection method: clinical testing. Allele origin: germline.
Comment: This variant is a deletion of the genomic region encompassing part of exon 9 and exons 10-15 (c.1571_2399+153del) of the PLEKHM2 gene. It is expected to disrupt RNA splicing and likely results in an absent or disrupted protein product. This variant has not been reported in the literature in individuals with PLEKHM2-related conditions. The current clinical and genetic evidence is not sufficient to establish whether loss-of-function variants in PLEKHM2 cause disease. In summary, the available evidence is currently insufficient to determine the role of this variant in disease. Therefore, it has been classified as a Variant of Uncertain Significance.

NM_015164.4(PLEKHM2):c.1577_2399+159del

Gene: PLEKHM2 (pleckstrin homology and RUN domain containing M2; plus strand). Cytogenetic location: 1p36.21.
Variant type: Deletion.
Coding change: c.1577_2399+159del on transcript NM_015164.4 (MANE Select); coding-DNA position 1577 through 159 bases into the intron after coding-DNA position 2399, 3,233 bases deleted.
Molecular consequence: splice acceptor variant, splice donor variant.
Genome position (GRCh38, 1-based): chr1:15,727,649-15,730,881, 3,233 bases deleted. GRCh37 (hg19): chr1:16,054,144-16,057,376.
Identifiers: ClinVar variation 861402 (VCV000861402.1), ClinGen allele CA916082001.